The following is an entry in ClinVar:

NM_001164508.2(NEB):c.17038G>A (p.Glu5680Lys)

Gene: NEB (nebulin; minus strand). Cytogenetic location: 2q23.3.
Variant type: single nucleotide variant.
Coding change: c.17038G>A on transcript NM_001164508.2 (MANE Select); coding-DNA position 17038, G replaced by A.
Protein change: p.Glu5680Lys; replaces glutamic acid 5680 with lysine.
Molecular consequence: missense variant.
Genome position (GRCh38, 1-based): chr2:151,570,577, C>T on the plus strand (G>A on the coding strand, the complement: NEB is on the minus strand). VCF-style: chr2-151570577-C-T. GRCh37 (hg19) VCF-style: chr2-152427091-C-T.
Other names: c.17038G>A, p.Glu5680Lys (NM_001164507.2, NM_001271208.2); c.11935G>A, p.Glu3979Lys (NM_004543.5); short protein forms E5680K, E3979K.
Identifiers: ClinVar variation 3018807 (VCV003018807.15), dbSNP rs2552196197, ClinGen allele CA348808825.

ClinVar aggregate classification (germline): Uncertain significance. Review status: criteria provided, multiple submitters, no conflicts (2 of 4 stars). 2 submissions from 2 submitters: Uncertain significance (2). Last evaluated 2024-10-01.

Conditions:
Nemaline myopathy 2 (NEM2). Also called: Nemaline myopathy 2, autosomal recessive. Identifiers: MedGen C1850569, MONDO:0009725, OMIM 256030.

Allele frequency attached by ClinVar (database versions not stated): gnomAD exomes below 0.00001.
gnomAD v4.1: 2 of 1,602,232 alleles (0.00012%); highest among the groups gnomAD compares: Non-Finnish European, 0.00017%; no homozygotes.

Submissions (2):

CeGaT Center for Human Genetics Tuebingen
Classification: Uncertain significance. Last evaluated: 2024-10-01. Review status: criteria provided, single submitter. Criteria: CeGaT Center For Human Genetics Tuebingen Variant Classification Criteria Version 2. Collection method: clinical testing. Allele origin: germline. Affected: yes. Observed: 1 variant allele.
Comment: NEB: PM2, BP4

Labcorp Genetics (formerly Invitae), Labcorp
Classification: Uncertain significance for Nemaline myopathy 2. Last evaluated: 2023-08-02. Review status: criteria provided, single submitter. Criteria: Invitae Variant Classification Sherloc (09022015). Collection method: clinical testing. Allele origin: germline.
Comment: In summary, the available evidence is currently insufficient to determine the role of this variant in disease. Therefore, it has been classified as a Variant of Uncertain Significance. Experimental studies and prediction algorithms are not available or were not evaluated, and the functional significance of this variant is currently unknown. This variant has not been reported in the literature in individuals affected with NEB-related conditions. This variant is not present in population databases (gnomAD no frequency). This sequence change replaces glutamic acid, which is acidic and polar, with lysine, which is basic and polar, at codon 5680 of the NEB protein (p.Glu5680Lys).